The following is an entry in ClinVar:

ClinVar aggregate classification (germline): Uncertain significance (1 of 4 stars; one submission).

Conditions:
Hereditary cancer-predisposing syndrome. Also called: Neoplastic Syndromes, Hereditary; Tumor predisposition; Hereditary Cancer Syndrome; Hereditary neoplastic syndrome. Identifiers: Orphanet 140162, MedGen C0027672, MeSH D009386, MONDO:0015356.

Submission:

Ambry Genetics
Classification: Uncertain significance for Hereditary cancer-predisposing syndrome. Last evaluated: 2022-10-20. Review status: criteria provided, single submitter. Criteria: Ambry Variant Classification Scheme 2023. Collection method: clinical testing. Allele origin: germline.
Comment: The p.P670S variant (also known as c.2008C>T), located in coding exon 11 of the DICER1 gene, results from a C to T substitution at nucleotide position 2008. The proline at codon 670 is replaced by serine, an amino acid with similar properties. This amino acid position is conserved. In addition, this alteration is predicted to be deleterious by in silico analysis. Since supporting evidence is limited at this time, the clinical significance of this alteration remains unclear.

NM_177438.3(DICER1):c.2008C>T (p.Pro670Ser)

Gene: DICER1 (dicer 1, ribonuclease III; minus strand). Cytogenetic location: 14q32.13.
Variant type: single nucleotide variant.
Coding change: c.2008C>T on transcript NM_177438.3 (MANE Select); coding-DNA position 2008, C replaced by T.
Protein change: p.Pro670Ser; replaces proline 670 with serine.
Molecular consequence: missense variant. On other transcripts: non-coding transcript variant (6).
Genome position (GRCh38, 1-based): chr14:95,113,124, G>A on the plus strand (C>T on the coding strand, the complement: DICER1 is on the minus strand). VCF-style: chr14-95113124-G-A. GRCh37 (hg19) VCF-style: chr14-95579461-G-A.
Other names: c.2008C>T, p.Pro670Ser (NM_001195573.1, NM_001271282.3, NM_001291628.2 and 13 more transcripts); c.1726C>T, p.Pro576Ser (NM_001395686.1); c.1603C>T, p.Pro535Ser (NM_001395687.1, NM_001395688.1, NM_001395689.1 and 3 more transcripts); c.1441C>T, p.Pro481Ser (NM_001395691.1); c.325C>T, p.Pro109Ser (NM_001395697.1); short protein forms P535S, P481S, P576S, P109S, P670S.
Identifiers: ClinVar variation 1784360 (VCV001784360.2), dbSNP rs2140087866, ClinGen allele CA390883215.
Genomic context (GRCh38, chr14:95,113,124, plus strand): 5'-TAACAATCATTTCTTCTTCTAAACTTACAACAATGGAGGCTCGAAGAGGTGAGTTAATTG[G>A]CAGATAAAGAGTTGAATAAAATGTACCATCAGGCAACTCTCGGGTTCTGCATTTAGGAGC-3'
Protein context (NP_803187.1, residues 660-680): DGTFYSTLYL[Pro670Ser]INSPLRASIV